The following is an entry in ClinVar:

NM_182914.3(SYNE2):c.14441A>C (p.Glu4814Ala)

Gene: SYNE2 (spectrin repeat containing nuclear envelope protein 2; plus strand). Cytogenetic location: 14q23.2.
Variant type: single nucleotide variant.
Coding change: c.14441A>C on transcript NM_182914.3 (MANE Select); coding-DNA position 14441, A replaced by C.
Protein change: p.Glu4814Ala; replaces glutamic acid 4814 with alanine.
Molecular consequence: missense variant.
Genome position (GRCh38, 1-based): chr14:64,132,365, A>C. VCF-style: chr14-64132365-A-C. GRCh37 (hg19) VCF-style: chr14-64599083-A-C.
Other names: c.14441A>C, p.Glu4814Ala (NM_015180.6); short protein forms E4814A.
Identifiers: ClinVar variation 1002531 (VCV001002531.8), dbSNP rs944539742, ClinGen allele CA261854982.

ClinVar aggregate classification (germline): Uncertain significance (1 of 4 stars; one submission).

Conditions:
Emery-Dreifuss muscular dystrophy 5, autosomal dominant (EDMD5). Also called: EMERY-DREIFUSS MUSCULAR DYSTROPHY 5. Identifiers: Orphanet 261, MedGen C2751805, MONDO:0013072, OMIM 612999.

Allele frequency attached by ClinVar (database versions not stated): TOPMed below 0.00001; gnomAD 0.00001.
gnomAD v4.1: 1 of 1,614,110 alleles (0.000062%); highest among the groups gnomAD compares: Admixed American, 0.0017%; no homozygotes.

Submission:

Labcorp Genetics (formerly Invitae), Labcorp
Classification: Uncertain significance for Emery-Dreifuss muscular dystrophy 5, autosomal dominant. Last evaluated: 2022-06-27. Review status: criteria provided, single submitter. Criteria: Invitae Variant Classification Sherloc (09022015). Collection method: clinical testing. Allele origin: germline.
Comment: In summary, the available evidence is currently insufficient to determine the role of this variant in disease. Therefore, it has been classified as a Variant of Uncertain Significance. Algorithms developed to predict the effect of missense changes on protein structure and function are either unavailable or do not agree on the potential impact of this missense change (SIFT: "Tolerated"; PolyPhen-2: "Probably Damaging"; Align-GVGD: "Class C0"). ClinVar contains an entry for this variant (Variation ID: 1002531). This variant has not been reported in the literature in individuals affected with SYNE2-related conditions. This variant is not present in population databases (gnomAD no frequency). This sequence change replaces glutamic acid, which is acidic and polar, with alanine, which is neutral and non-polar, at codon 4814 of the SYNE2 protein (p.Glu4814Ala).